The following is an entry in ClinVar:

NM_000243.3(MEFV):c.715C>T (p.Arg239Ter)

Gene: MEFV (MEFV innate immunity regulator, pyrin; minus strand). Cytogenetic location: 16p13.3.
Variant type: single nucleotide variant.
Coding change: c.715C>T on transcript NM_000243.3 (MANE Select); coding-DNA position 715, C replaced by T.
Protein change: p.Arg239Ter; replaces arginine 239 with a stop codon.
Molecular consequence: nonsense. On other transcripts: intron variant (1).
Genome position (GRCh38, 1-based): chr16:3,254,353, G>A on the plus strand (C>T on the coding strand, the complement: MEFV is on the minus strand). VCF-style: chr16-3254353-G-A. GRCh37 (hg19) VCF-style: chr16-3304353-G-A.
Other names: c.277+1958C>T (NM_001198536.2); short protein forms R239*.
Identifiers: ClinVar variation 4526286 (VCV004526286.1).
Genomic context (GRCh38, chr16:3,254,353, plus strand): 5'-TTTCTGGATTTGCGGGCGCCTTCTCCCCTGTAGAAATGGTGACCTCAAGGCTTCTAGGTC[G>A]CATCTTTCCCGAGGGCAGGTACACTTCGAAGGGCCTGCACTCCTTCTGCCCCGGGGCGCC-3'

ClinVar aggregate classification (germline): Uncertain significance (1 of 4 stars; one submission).

gnomAD v4.1: 6 of 1,614,206 alleles (0.00037%); highest among the groups gnomAD compares: Non-Finnish European, 0.00051%; no homozygotes.

Submission:

Women's Health and Genetics/Laboratory Corporation of America, LabCorp
Classification: Uncertain significance. Last evaluated: 2025-07-22. Review status: criteria provided, single submitter. Criteria: LabCorp Variant Classification Summary - May 2015. Collection method: clinical testing. Allele origin: germline.
Comment: Variant summary: MEFV c.715C>T (p.Arg239X) results in a premature termination codon, predicted to cause a truncation of the encoded protein or absence of the protein due to nonsense mediated decay, however current evidence is not sufficient to establish loss of function as a mechanism for disease. The variant was absent in 251058 control chromosomes. The available data on variant occurrences in the general population are insufficient to allow any conclusion about variant significance. To our knowledge, no occurrence of c.715C>T in individuals affected with Familial Mediterranean Fever and no experimental evidence demonstrating its impact on protein function have been reported. No submitters have cited clinical-significance assessments for this variant to ClinVar. Based on the evidence outlined above, the variant was classified as uncertain significance.